The following is an entry in ClinVar:

NM_001605.3(AARS1):c.1813del (p.His605fs)

Gene: AARS1 (alanyl-tRNA synthetase 1; minus strand). Cytogenetic location: 16q22.1.
Variant type: Deletion.
Coding change: c.1813del on transcript NM_001605.3 (MANE Select); coding-DNA position 1813, one base deleted (C; older notation c.1813delC).
Protein change: p.His605fs; shifts the reading frame from histidine 605.
Molecular consequence: frameshift variant.
Genome position (GRCh38, 1-based): chr16:70,259,159, G deleted on the plus strand (C on the coding strand, the reverse complement: AARS1 is on the minus strand); the first of 2 consecutive G bases (chr16:70,259,159-70,259,160); deleting either gives the same sequence. VCF-style (leftmost placement, unchanged base first): chr16-70259158-TG-T. GRCh37 (hg19) VCF-style: chr16-70293061-TG-T.
Other names: short protein forms H605fs.
Identifiers: ClinVar variation 3646880 (VCV003646880.2).

ClinVar aggregate classification (germline): Pathogenic (1 of 4 stars; one submission).

Conditions:
Charcot-Marie-Tooth disease type 2. Also called: Charcot-Marie-Tooth type 2. Identifiers: Orphanet 64746, MedGen C0270914, MONDO:0018993.

Submission:

Labcorp Genetics (formerly Invitae), Labcorp
Classification: Pathogenic for Charcot-Marie-Tooth disease type 2. Last evaluated: 2024-04-02. Review status: criteria provided, single submitter. Criteria: Invitae Variant Classification Sherloc (09022015). Collection method: clinical testing. Allele origin: germline.
Comment: This sequence change creates a premature translational stop signal (p.His605Thrfs*7) in the AARS gene. It is expected to result in an absent or disrupted protein product. Loss-of-function variants in AARS are known to be pathogenic (PMID: 25817015, 28493438, 34446925). This variant is not present in population databases (gnomAD no frequency). This variant has not been reported in the literature in individuals affected with AARS-related conditions. For these reasons, this variant has been classified as Pathogenic.

Literature cited by the submitters: PubMed 25817015; PubMed 28493438; PubMed 34446925.